The following is an entry in ClinVar:

ClinVar aggregate classification (germline): Likely pathogenic (0 of 4 stars; one submission).

Conditions:
PKD1-related disorder. Also called: PKD1-related condition.

Submission:

PreventionGenetics, part of Exact Sciences
Classification: Likely pathogenic for PKD1-related condition. Last evaluated: 2024-09-19. Review status: no assertion criteria provided. Collection method: clinical testing. Allele origin: germline.
Comment: The PKD1 c.772delA variant is predicted to result in a frameshift and premature protein termination (p.Thr258Profs*32). To our knowledge, this variant has not been reported in the literature or in a large population database, indicating this variant is rare. Frameshift variants in PKD1 are expected to be pathogenic. This variant is interpreted as likely pathogenic.

NM_001009944.3(PKD1):c.772del (p.Thr258fs)

Gene: PKD1 (polycystin 1, transient receptor potential channel interacting; minus strand). Cytogenetic location: 16p13.3.
Variant type: Deletion.
Coding change: c.772del on transcript NM_001009944.3 (MANE Select); coding-DNA position 772, one base deleted (A; older notation c.772delA).
Protein change: p.Thr258fs; shifts the reading frame from threonine 258.
Molecular consequence: frameshift variant.
Genome position (GRCh38, 1-based): chr16:2,118,220, T deleted on the plus strand (A on the coding strand, the reverse complement: PKD1 is on the minus strand). VCF-style (leftmost placement, unchanged base first): chr16-2118219-GT-G. GRCh37 (hg19) VCF-style: chr16-2168220-GT-G.
Other names: c.772del, p.Thr258fs (NM_000296.4); short protein forms T258fs.
Identifiers: ClinVar variation 3346073 (VCV003346073.1).
Genomic context (GRCh38, chr16:2,118,219, plus strand): 5'-ACCAGGGTGGCCCCTGGGGAGGCAGGGAAGACGTGCTGGAGGAGGGTGGGGCCCCTACAG[GT>G]GGGGGCAGGAGGTGGCGGGGGGCCGGAGCAGAGGGACAGGCAGGCAAAGGAGGCACTGGA-3'